The following is an entry in ClinVar:

NM_005751.5(AKAP9):c.10349G>A (p.Arg3450Gln)

Gene: AKAP9 (A-kinase anchoring protein 9; plus strand). Cytogenetic location: 7q21.2.
Variant type: single nucleotide variant.
Coding change: c.10349G>A on transcript NM_005751.5 (MANE Select); coding-DNA position 10349, G replaced by A.
Protein change: p.Arg3450Gln; replaces arginine 3450 with glutamine.
Molecular consequence: missense variant.
Genome position (GRCh38, 1-based): chr7:92,097,308, G>A. VCF-style: chr7-92097308-G-A. GRCh37 (hg19) VCF-style: chr7-91726622-G-A.
Other names: c.4994G>A, p.Arg1665Gln (NM_001379277.1); c.10325G>A, p.Arg3442Gln (NM_147185.3); short protein forms R1665Q, R3442Q, R3450Q.
Identifiers: ClinVar variation 1046631 (VCV001046631.11), dbSNP rs548234238, ClinGen allele CA161897200.
Genomic context (GRCh38, chr7:92,097,308, plus strand): 5'-ACCTTGAAGGACAGCGACTACAAGGAATCATGCAGGAATTCCAGAAGCAAGAACTAGAAC[G>A]AGAAGAAAAACGAGAAAGTAGAAGAATTCTGTATCAGAACCTTAATGAGGTAAACTGACA-3'
Protein context (NP_005742.4, residues 3440-3460): MQEFQKQELE[Arg3450Gln]EEKRESRRIL

ClinVar aggregate classification (germline): Uncertain significance. Review status: criteria provided, multiple submitters, no conflicts (2 of 4 stars). 2 submissions from 2 submitters: Uncertain significance (2). Last evaluated 2024-09-17.

Conditions:
Cardiovascular phenotype. Identifiers: MedGen CN230736.
Long QT syndrome (LQTS). Identifiers: MedGen C0023976, MeSH D008133, MONDO:0002442. Disease mechanism: loss of function. Inheritance: Various modes of inheritance.

Allele frequency attached by ClinVar (database versions not stated): gnomAD exomes below 0.00001 and 0.00001; TOPMed 0.00001.
gnomAD v4.1: 14 of 1,613,714 alleles (0.00087%); highest among the groups gnomAD compares: African/African-American, 0.0067%; no homozygotes.

Submissions (2):

Ambry Genetics
Classification: Uncertain significance for Cardiovascular phenotype. Last evaluated: 2024-09-17. Review status: criteria provided, single submitter. Criteria: Ambry Variant Classification Scheme 2023. Collection method: clinical testing. Allele origin: germline.
Comment: The p.R3450Q variant (also known as c.10349G>A), located in coding exon 41 of the AKAP9 gene, results from a G to A substitution at nucleotide position 10349. The arginine at codon 3450 is replaced by glutamine, an amino acid with highly similar properties. This amino acid position is not well conserved in available vertebrate species, and glutamine is the reference amino acid in other vertebrate species. In addition, this alteration is predicted to be tolerated by in silico analysis. Since supporting evidence is limited at this time, the clinical significance of this alteration remains unclear.

Labcorp Genetics (formerly Invitae), Labcorp
Classification: Uncertain significance for Long QT syndrome. Last evaluated: 2022-10-24. Review status: criteria provided, single submitter. Criteria: Invitae Variant Classification Sherloc (09022015). Collection method: clinical testing. Allele origin: germline.
Comment: This sequence change replaces arginine, which is basic and polar, with glutamine, which is neutral and polar, at codon 3450 of the AKAP9 protein (p.Arg3450Gln). This variant is not present in population databases (gnomAD no frequency). This missense change has been observed in individual(s) with sudden cardiac arrest (PMID: 26189708). ClinVar contains an entry for this variant (Variation ID: 1046631). Algorithms developed to predict the effect of missense changes on protein structure and function are either unavailable or do not agree on the potential impact of this missense change (SIFT: "Tolerated"; PolyPhen-2: "Probably Damaging"; Align-GVGD: "Class C0"). In summary, the available evidence is currently insufficient to determine the role of this variant in disease. Therefore, it has been classified as a Variant of Uncertain Significance.

Literature cited by the submitters: PubMed 26189708 (cited by Labcorp Genetics (formerly Invitae), Labcorp).